The following is an entry in ClinVar:

NM_018834.6(MATR3):c.460C>T (p.Pro154Ser)

Gene: MATR3 (matrin 3; plus strand). Cytogenetic location: 5q31.2.
Variant type: single nucleotide variant.
Coding change: c.460C>T on transcript NM_018834.6 (MANE Select); coding-DNA position 460, C replaced by T.
Protein change: p.Pro154Ser; replaces proline 154 with serine.
Molecular consequence: missense variant. On other transcripts: intron variant (2).
Genome position (GRCh38, 1-based): chr5:139,307,875, C>T. VCF-style: chr5-139307875-C-T. GRCh37 (hg19) VCF-style: chr5-138643564-C-T.
Other names: c.460C>T, p.Pro154Ser (NM_001194954.2, NM_001194955.2, NM_199189.3); c.-102-6800C>T (NM_001282278.2); c.49-6800C>T (NM_001194956.2); short protein forms P154S.
Identifiers: ClinVar variation 126563 (VCV000126563.5), dbSNP rs587777302, ClinGen allele CA151206.

ClinVar aggregate classification (germline): Uncertain significance. Review status: criteria provided, single submitter (1 of 4 stars). 2 submissions from 2 submitters: Uncertain significance (1). 1 of the submissions does not count toward it. Last evaluated 2023-10-18.

Conditions:
Amyotrophic lateral sclerosis type 21. Also called: MYOPATHY, DISTAL, 2; VOCAL CORD AND PHARYNGEAL DYSFUNCTION WITH DISTAL MYOPATHY. Identifiers: Orphanet 600, Orphanet 803, MedGen C3807521, MONDO:0011632, OMIM 606070.

Allele frequency attached by ClinVar (database versions not stated): gnomAD below 0.00001 and 0.00001; gnomAD exomes below 0.00001.

Submissions (2):

Labcorp Genetics (formerly Invitae), Labcorp
Classification: Uncertain significance for Amyotrophic lateral sclerosis type 21. Last evaluated: 2023-10-18. Review status: criteria provided, single submitter. Criteria: Invitae Variant Classification Sherloc (09022015). Collection method: clinical testing. Allele origin: germline.
Comment: This sequence change replaces proline, which is neutral and non-polar, with serine, which is neutral and polar, at codon 154 of the MATR3 protein (p.Pro154Ser). This variant is not present in population databases (gnomAD no frequency). This missense change has been observed in individual(s) with amyotrophic lateral sclerosis (PMID: 24686783). ClinVar contains an entry for this variant (Variation ID: 126563). Advanced modeling of protein sequence and biophysical properties (such as structural, functional, and spatial information, amino acid conservation, physicochemical variation, residue mobility, and thermodynamic stability) performed at Invitae indicates that this missense variant is not expected to disrupt MATR3 protein function with a negative predictive value of 80%. In summary, the available evidence is currently insufficient to determine the role of this variant in disease. Therefore, it has been classified as a Variant of Uncertain Significance.

OMIM
Classification: Pathogenic for AMYOTROPHIC LATERAL SCLEROSIS 21. Last evaluated: 2014-03-30. Review status: no assertion criteria provided. Collection method: literature only. Allele origin: germline. Not counted in ClinVar's aggregate classification.

Literature cited by the submitters: PubMed 24686783 (cited by Labcorp Genetics (formerly Invitae), Labcorp and OMIM).